The following is an entry in ClinVar:

NM_004100.5(EYA4):c.652G>T (p.Gly218Cys)

Gene: EYA4 (EYA transcriptional coactivator and phosphatase 4; plus strand). Cytogenetic location: 6q23.2.
Variant type: single nucleotide variant.
Coding change: c.652G>T on transcript NM_004100.5 (MANE Select); coding-DNA position 652, G replaced by T.
Protein change: p.Gly218Cys; replaces glycine 218 with cysteine.
Molecular consequence: missense variant.
Genome position (GRCh38, 1-based): chr6:133,462,692, G>T. VCF-style: chr6-133462692-G-T. GRCh37 (hg19) VCF-style: chr6-133783830-G-T.
Other names: c.490G>T, p.Gly164Cys (NM_001301012.2, NM_001370459.1); c.652G>T, p.Gly218Cys (NM_001301013.2, NM_172105.4); c.583G>T, p.Gly195Cys (NM_001370458.1, NM_172103.4); short protein forms G164C, G195C, G218C.
Identifiers: ClinVar variation 2063241 (VCV002063241.4), dbSNP rs754538025, ClinGen allele CA365699266.

ClinVar aggregate classification (germline): Uncertain significance (1 of 4 stars; one submission).

Conditions:
Dilated cardiomyopathy 1J (CMD1J). Also called: CARDIOMYOPATHY, DILATED, WITH SENSORINEURAL HEARING LOSS, AUTOSOMAL DOMINANT. Identifiers: Orphanet 217622, MedGen C1854368, MONDO:0011541, OMIM 605362.

Submission:

Labcorp Genetics (formerly Invitae), Labcorp
Classification: Uncertain significance for Dilated cardiomyopathy 1J. Last evaluated: 2022-03-05. Review status: criteria provided, single submitter. Criteria: Invitae Variant Classification Sherloc (09022015). Collection method: clinical testing. Allele origin: germline.
Comment: In summary, the available evidence is currently insufficient to determine the role of this variant in disease. Therefore, it has been classified as a Variant of Uncertain Significance. Algorithms developed to predict the effect of missense changes on protein structure and function are either unavailable or do not agree on the potential impact of this missense change (SIFT: "Deleterious"; PolyPhen-2: "Probably Damaging"; Align-GVGD: "Class C15"). This sequence change replaces glycine, which is neutral and non-polar, with cysteine, which is neutral and slightly polar, at codon 218 of the EYA4 protein (p.Gly218Cys). This variant is not present in population databases (gnomAD no frequency). This variant has not been reported in the literature in individuals affected with EYA4-related conditions.